The following is an entry in ClinVar:

ClinVar aggregate classification (germline): Uncertain significance (1 of 4 stars; one submission).

Conditions:
POLD1-related polyposis and colorectal cancer syndrome (CRCS10). Also called: Colorectal cancer 10; COLORECTAL CANCER, SUSCEPTIBILITY TO, ON CHROMOSOME 19q; Colorectal cancer, susceptibility to, 10. Identifiers: Orphanet 220460, MedGen C2675481, MONDO:0012953, OMIM 612591.

Submission:

Labcorp Genetics (formerly Invitae), Labcorp
Classification: Uncertain significance for POLD1-related polyposis and colorectal cancer syndrome. Last evaluated: 2022-07-19. Review status: criteria provided, single submitter. Criteria: Invitae Variant Classification Sherloc (09022015). Collection method: clinical testing. Allele origin: germline.
Comment: This sequence change falls in intron 16 of the POLD1 gene. It does not directly change the encoded amino acid sequence of the POLD1 protein. It affects a nucleotide within the consensus splice site. In summary, the available evidence is currently insufficient to determine the role of this variant in disease. Therefore, it has been classified as a Variant of Uncertain Significance. Variants that disrupt the consensus splice site are a relatively common cause of aberrant splicing (PMID: 17576681, 9536098). Algorithms developed to predict the effect of sequence changes on RNA splicing suggest that this variant is not likely to affect RNA splicing. ClinVar contains an entry for this variant (Variation ID: 1520050). This variant has not been reported in the literature in individuals affected with POLD1-related conditions. This variant is not present in population databases (gnomAD no frequency).

Literature cited by the submitters: PubMed 17576681; PubMed 9536098.

NM_002691.4(POLD1):c.2006+5G>T

Gene: POLD1 (DNA polymerase delta 1, catalytic subunit; plus strand). Cytogenetic location: 19q13.33.
Variant type: single nucleotide variant.
Coding change: c.2006+5G>T on transcript NM_002691.4 (MANE Select); 5 bases into the intron after coding-DNA position 2006, G replaced by T.
Molecular consequence: intron variant.
Genome position (GRCh38, 1-based): chr19:50,409,240, G>T. VCF-style: chr19-50409240-G-T. GRCh37 (hg19) VCF-style: chr19-50912497-G-T.
Other names: c.2006+5G>T (NM_001256849.1); c.2084+5G>T (NM_001308632.1).
Identifiers: ClinVar variation 1520050 (VCV001520050.6), dbSNP rs2122377997, ClinGen allele CA2573156704.